The following is an entry in ClinVar:

NM_173728.4(ARHGEF15):c.1738C>T (p.Arg580Cys)

Gene: ARHGEF15 (Rho guanine nucleotide exchange factor 15; plus strand). Cytogenetic location: 17p13.1.
Variant type: single nucleotide variant.
Coding change: c.1738C>T on transcript NM_173728.4 (MANE Select); coding-DNA position 1738, C replaced by T.
Protein change: p.Arg580Cys; replaces arginine 580 with cysteine.
Molecular consequence: missense variant.
Genome position (GRCh38, 1-based): chr17:8,318,420, C>T. VCF-style: chr17-8318420-C-T. GRCh37 (hg19) VCF-style: chr17-8221738-C-T.
Other names: c.1738C>T, p.Arg580Cys (NM_025014.2); c.1738C>T (NM_173728.3); short protein forms R580C.
Identifiers: ClinVar variation 1009152 (VCV001009152.10), dbSNP rs774391825, ClinGen allele CA8375281.

ClinVar aggregate classification (germline): Uncertain significance. Review status: criteria provided, multiple submitters, no conflicts (2 of 4 stars). 2 submissions from 2 submitters: Uncertain significance (2). Last evaluated 2024-07-03.

Conditions:
Early-infantile DEE. Also called: Ohtahara syndrome; Early infantile epileptic encephalopathy with suppression bursts; Early infantile epileptic encephalopathy. Identifiers: Orphanet 1934, MedGen C0393706, MONDO:0800491.

Allele frequency attached by ClinVar (database versions not stated): gnomAD 0.00001; TOPMed 0.00002.
gnomAD v4.1: 31 of 1,613,984 alleles (0.0019%); highest among the groups gnomAD compares: Middle Eastern, 0.31%; no homozygotes.

Submissions (2):

Labcorp Genetics (formerly Invitae), Labcorp
Classification: Uncertain significance for Early-infantile DEE. Last evaluated: 2024-07-03. Review status: criteria provided, single submitter. Criteria: Invitae Variant Classification Sherloc (09022015). Collection method: clinical testing. Allele origin: germline.
Comment: This sequence change replaces arginine, which is basic and polar, with cysteine, which is neutral and slightly polar, at codon 580 of the ARHGEF15 protein (p.Arg580Cys). This variant is present in population databases (rs774391825, gnomAD 0.006%). This variant has not been reported in the literature in individuals affected with ARHGEF15-related conditions. ClinVar contains an entry for this variant (Variation ID: 1009152). An algorithm developed to predict the effect of missense changes on protein structure and function (PolyPhen-2) suggests that this variant is likely to be disruptive. In summary, the available evidence is currently insufficient to determine the role of this variant in disease. Therefore, it has been classified as a Variant of Uncertain Significance.

Ambry Genetics
Classification: Uncertain significance. Last evaluated: 2024-03-18. Review status: criteria provided, single submitter. Criteria: Ambry Variant Classification Scheme 2023. Collection method: clinical testing. Allele origin: germline.